The following is an entry in ClinVar:

ClinVar aggregate classification (germline): Likely benign (1 of 4 stars; one submission).

Allele frequency attached by ClinVar (database versions not stated): ESP Exome Variant Server 0.00015; gnomAD 0.00042; 1000 Genomes Project 30x 0.00047; gnomAD exomes 0.00051; TOPMed 0.00054; 1000 Genomes Project 0.00060.
gnomAD v4.1: 795 of 1,614,080 alleles (0.049%); highest among the groups gnomAD compares: Admixed American, 0.075%; 1 homozygote.

Submission:

CeGaT Center for Human Genetics Tuebingen
Classification: Likely benign. Last evaluated: 2024-02-01. Review status: criteria provided, single submitter. Criteria: CeGaT Center For Human Genetics Tuebingen Variant Classification Criteria Version 2. Collection method: clinical testing. Allele origin: germline. Affected: yes. Observed: 1 variant allele.
Comment: AHNAK: BP4, BS2

NM_001620.3(AHNAK):c.13381A>G (p.Met4461Val)

Gene: AHNAK (AHNAK nucleoprotein; minus strand). Cytogenetic location: 11q12.3.
Variant type: single nucleotide variant.
Coding change: c.13381A>G on transcript NM_001620.3 (MANE Select); coding-DNA position 13381, A replaced by G.
Protein change: p.Met4461Val; replaces methionine 4461 with valine.
Molecular consequence: missense variant. On other transcripts: intron variant (1).
Genome position (GRCh38, 1-based): chr11:62,521,036, T>C on the plus strand (A>G on the coding strand, the complement: AHNAK is on the minus strand). VCF-style: chr11-62521036-T-C. GRCh37 (hg19) VCF-style: chr11-62288508-T-C.
Other names: c.13381A>G, p.Met4461Val (NM_001346445.2, NM_001346446.2); c.342+13967A>G (NM_024060.4); short protein forms M4461V.
Identifiers: ClinVar variation 3025347 (VCV003025347.22), dbSNP rs114666146, ClinGen allele CA6044399.